The following is an entry in ClinVar:

NM_001113378.2(FANCI):c.394A>G (p.Ile132Val)

Gene: FANCI (FA complementation group I; plus strand). Cytogenetic location: 15q26.1.
Variant type: single nucleotide variant.
Coding change: c.394A>G on transcript NM_001113378.2 (MANE Select); coding-DNA position 394, A replaced by G.
Protein change: p.Ile132Val; replaces isoleucine 132 with valine.
Molecular consequence: missense variant.
Genome position (GRCh38, 1-based): chr15:89,261,690, A>G. VCF-style: chr15-89261690-A-G. GRCh37 (hg19) VCF-style: chr15-89804921-A-G.
Other names: c.115A>G, p.Ile39Val (NM_001376910.1); c.394A>G, p.Ile132Val (NM_001376911.1, NM_018193.3); short protein forms I132V, I39V.
Identifiers: ClinVar variation 456222 (VCV000456222.6), dbSNP rs749540937, ClinGen allele CA7722600.

ClinVar aggregate classification (germline): Uncertain significance (1 of 4 stars; one submission).

Conditions:
Fanconi anemia (FA). Also called: Fanconi's anemia. Identifiers: Orphanet 84, MedGen C0015625, MeSH D005199, MONDO:0019391.

Allele frequency attached by ClinVar (database versions not stated): gnomAD 0.00001; TOPMed 0.00002; gnomAD exomes 0.00004 and 0.00008; ExAC 0.00012.
gnomAD v4.1: 57 of 1,614,044 alleles (0.0035%); highest among the groups gnomAD compares: Non-Finnish European, 0.0044%; no homozygotes.

Submission:

Labcorp Genetics (formerly Invitae), Labcorp
Classification: Uncertain significance for Fanconi anemia. Last evaluated: 2025-08-05. Review status: criteria provided, single submitter. Criteria: Invitae Variant Classification Sherloc (09022015). Collection method: clinical testing. Allele origin: germline.
Comment: This sequence change replaces isoleucine, which is neutral and non-polar, with valine, which is neutral and non-polar, at codon 132 of the FANCI protein (p.Ile132Val). This variant is present in population databases (rs749540937, gnomAD 0.02%). This variant has not been reported in the literature in individuals affected with FANCI-related conditions. ClinVar contains an entry for this variant (Variation ID: 456222). Invitae Evidence Modeling of protein sequence and biophysical properties (such as structural, functional, and spatial information, amino acid conservation, physicochemical variation, residue mobility, and thermodynamic stability) indicates that this missense variant is not expected to disrupt FANCI protein function with a negative predictive value of 80%. In summary, the available evidence is currently insufficient to determine the role of this variant in disease. Therefore, it has been classified as a Variant of Uncertain Significance.